The following is an entry in ClinVar:

NM_004415.4(DSP):c.2370dup (p.Leu791fs)

Gene: DSP (desmoplakin; plus strand). Cytogenetic location: 6p24.3.
Variant type: Duplication.
Coding change: c.2370dup on transcript NM_004415.4 (MANE Select); coding-DNA position 2370, one base duplicated (G; older notation c.2370dupG).
Protein change: p.Leu791fs; shifts the reading frame from leucine 791.
Molecular consequence: frameshift variant.
Genome position (GRCh38, 1-based): chr6:7,574,729, G duplicated; the last of 2 consecutive G bases (chr6:7,574,728-7,574,729); duplicating either gives the same sequence. VCF-style (leftmost placement, unchanged base first): chr6-7574727-A-AG. GRCh37 (hg19) VCF-style: chr6-7574960-A-AG.
Other names: c.2370dup, p.Leu791fs (NM_001008844.3, NM_001319034.2); short protein forms L791fs.
Identifiers: ClinVar variation 4787020 (VCV004787020.1).

ClinVar aggregate classification (germline): Pathogenic (1 of 4 stars; one submission).

Conditions:
Arrhythmogenic cardiomyopathy with wooly hair and keratoderma. Also called: Carvajal syndrome; PALMOPLANTAR KERATODERMA WITH LEFT VENTRICULAR CARDIOMYOPATHY AND WOOLLY HAIR; Dilated cardiomyopathy with woolly hair and keratoderma; Arrhythmogenic cardiomyopathy with woolly hair and keratoderma. Identifiers: Orphanet 65282, MedGen C1854063, MONDO:0011581, OMIM 605676.
Arrhythmogenic right ventricular dysplasia 8 (ARVD8). Also called: Arrhythmogenic Right Ventricular Dysplasia/Cardiomyopathy 8; ARRHYTHMOGENIC RIGHT VENTRICULAR DYSPLASIA, FAMILIAL, 8; ARRHYTHMOGENIC RIGHT VENTRICULAR CARDIOMYOPATHY 8. Identifiers: MedGen C1843896, MONDO:0011831, OMIM 607450.

Submission:

Labcorp Genetics (formerly Invitae), Labcorp
Classification: Pathogenic for Arrhythmogenic cardiomyopathy with wooly hair and keratoderma; Arrhythmogenic right ventricular dysplasia 8. Last evaluated: 2025-12-24. Review status: criteria provided, single submitter. Criteria: Invitae Variant Classification Sherloc (09022015). Collection method: clinical testing. Allele origin: germline.
Comment: This sequence change creates a premature translational stop signal (p.Leu791Alafs*3) in the DSP gene. It is expected to result in an absent or disrupted protein product. Loss-of-function variants in DSP are known to be pathogenic (PMID: 20716751, 24503780, 25227139, 30398466). This variant is not present in population databases (gnomAD no frequency). This variant has not been reported in the literature in individuals affected with DSP-related conditions. For these reasons, this variant has been classified as Pathogenic.

Literature cited by the submitters: PubMed 20716751; PubMed 24503780; PubMed 25227139; PubMed 30398466.